The following is an entry in ClinVar:

NM_001142800.2(EYS):c.1836_1837del (p.His612fs)

Gene: EYS (EGF-like photoreceptor maintenance factor; minus strand). Cytogenetic location: 6q12.
Variant type: Microsatellite.
Coding change: c.1836_1837del on transcript NM_001142800.2 (MANE Select); coding-DNA positions 1836 to 1837, 2 bases deleted (CA; older notation c.1836_1837delCA).
Protein change: p.His612fs; shifts the reading frame from histidine 612.
Molecular consequence: frameshift variant.
Genome position (GRCh38, 1-based): chr6:65,296,049-65,296,050, TG deleted on the plus strand (CA on the coding strand, the reverse complement: EYS is on the minus strand); deleting any 2 consecutive bases within chr6:65,296,049-65,296,052 gives the same sequence; the c. name uses the placement nearest the transcript's 3' end. VCF-style (leftmost placement, unchanged base first): chr6-65296048-CTG-C. GRCh37 (hg19) VCF-style: chr6-66005941-CTG-C.
Other names: c.1836_1837del, p.His612fs (NM_001292009.2); short protein forms H612fs.
Identifiers: ClinVar variation 5003865 (VCV005003865.1).

ClinVar aggregate classification (germline): Pathogenic (1 of 4 stars; one submission).

Conditions:
Retinitis pigmentosa 25 (RP25). Identifiers: Orphanet 791, MedGen C1864446, MONDO:0011272, OMIM 602772.

Submission:

Myriad Genetics, Inc.
Classification: Pathogenic for Retinitis pigmentosa 25. Last evaluated: 2026-03-03. Review status: criteria provided, single submitter. Criteria: Myriad Autosomal Dominant, Autosomal Recessive and X-Linked Classification Criteria (2023). Collection method: clinical testing. Allele origin: unknown.
Comment: NM_001142800.1(EYS):c.1836_1837delCA(H612Qfs*16) is a frameshift variant classified as pathogenic in the context of retinitis pigmentosa, EYS-related. H612Qfs*16 has been observed in cases with relevant disease (PMID: 38927562, 34321860). Relevant functional assessments of this variant are not available in the literature. H612Qfs*16 has not been observed in referenced population frequency databases. In summary, NM_001142800.1(EYS):c.1836_1837delCA(H612Qfs*16) is a frameshift variant in a gene where loss of function is a known mechanism of disease, is predicted to disrupt protein function, and has been observed more frequently in cases with the relevant disease than in healthy populations. Please note: this variant was assessed in the context of healthy population screening.

Literature cited by the submitters: PubMed 34321860; PubMed 38927562.